The following is an entry in ClinVar:

NM_005502.4(ABCA1):c.5020G>A (p.Val1674Ile)

Gene: ABCA1 (ATP binding cassette subfamily A member 1; minus strand). Cytogenetic location: 9q31.1.
Variant type: single nucleotide variant.
Coding change: c.5020G>A on transcript NM_005502.4 (MANE Select); coding-DNA position 5020, G replaced by A.
Protein change: p.Val1674Ile; replaces valine 1674 with isoleucine.
Molecular consequence: missense variant.
Genome position (GRCh38, 1-based): chr9:104,798,522, C>T on the plus strand (G>A on the coding strand, the complement: ABCA1 is on the minus strand). VCF-style: chr9-104798522-C-T. GRCh37 (hg19) VCF-style: chr9-107560803-C-T.
Other names: short protein forms V1674I.
Identifiers: ClinVar variation 364396 (VCV000364396.18), dbSNP rs138422574, ClinGen allele CA5167957.

ClinVar aggregate classification (germline): Likely benign. Review status: criteria provided, multiple submitters, no conflicts (2 of 4 stars). 7 submissions from 6 submitters: Likely benign (7). Last evaluated 2025-12-26.

Conditions:
ABCA1-related disorder. Also called: ABCA1-related condition; ABCA1-related disorders. Identifiers: MedGen CN239173.
Hypoalphalipoproteinemia, primary, 1. Identifiers: Orphanet 425, MedGen C5231558, MONDO:0011393, OMIM 604091.
Tangier disease (TGD). Also called: Cholesterol thesaurismosis; HIGH DENSITY LIPOPROTEIN DEFICIENCY, TANGIER TYPE; HIGH DENSITY LIPOPROTEIN DEFICIENCY, TYPE 1. Identifiers: Orphanet 31150, MedGen C0039292, MONDO:0008783, OMIM 205400.
Cardiovascular phenotype. Identifiers: MedGen CN230736.

Allele frequency attached by ClinVar (database versions not stated): TOPMed 0.00022; ESP Exome Variant Server 0.00023; gnomAD 0.00044 and 0.00056; gnomAD exomes 0.00048 and 0.00057; ExAC 0.00069; 1000 Genomes Project 30x 0.00078; 1000 Genomes Project 0.00100.
gnomAD v4.1: 799 of 1,614,092 alleles (0.05%); highest among the groups gnomAD compares: East Asian, 0.78%; 3 homozygotes.

Submissions (7):

PreventionGenetics, part of Exact Sciences
Classification: Likely benign for ABCA1-related condition. Last evaluated: 2025-12-26. Review status: criteria provided, single submitter. Criteria: ACMG Guidelines, 2015. Collection method: clinical testing. Allele origin: germline.
Comment: This variant is classified as likely benign based on ACMG/AMP sequence variant interpretation guidelines (Richards et al. 2015 PMID: 25741868, with internal and published modifications).

Labcorp Genetics (formerly Invitae), Labcorp
Classification: Likely benign. Last evaluated: 2025-12-13. Review status: criteria provided, single submitter. Criteria: Invitae Variant Classification Sherloc (09022015). Collection method: clinical testing. Allele origin: germline.

Women's Health and Genetics/Laboratory Corporation of America, LabCorp
Classification: Likely benign. Last evaluated: 2025-11-11. Review status: criteria provided, single submitter. Criteria: LabCorp Variant Classification Summary - May 2015. Collection method: clinical testing. Allele origin: germline.
Comment: Variant summary: ABCA1 c.5020G>A (p.Val1674Ile) results in a conservative amino acid change in the encoded protein sequence. Algorithms developed to predict the effect of missense changes on protein structure and function are either unavailable or do not agree on the potential impact of this missense change. The variant allele was found at a frequency of 0.00057 in 251338 control chromosomes, predominantly at a frequency of 0.0026 within the East Asian subpopulation in the gnomAD database. The observed variant frequency within East Asian control individuals in the gnomAD database exceeds the estimated maximal expected allele frequency for disease-causing variants in ABCA1. c.5020G>A has been observed in individual(s) affected with lower HDL cholesterol levels, reduced total cholesterol or dyslipidemia, without strong evidence for causality (Berge_2010, Service_2014, Dron_2020). These report(s) do not provide unequivocal conclusions about association of the variant with Tangier Disease. To our knowledge, no experimental evidence demonstrating an impact on protein function has been reported. ClinVar contains an entry for this variant (Variation ID: 364396). Based on the evidence outlined above, the variant was classified as likely benign.

Blueprint Genetics
Classification: Likely benign. Last evaluated: 2024-11-15. Review status: criteria provided, single submitter. Criteria: ACMG Guidelines, 2015. Collection method: clinical testing. Allele origin: germline.

Ambry Genetics
Classification: Likely benign for Cardiovascular phenotype. Last evaluated: 2023-12-07. Review status: criteria provided, single submitter. Criteria: Ambry Variant Classification Scheme 2023. Collection method: clinical testing. Allele origin: germline.

Illumina Laboratory Services, Illumina
Classification: Likely benign for Hypoalphalipoproteinemia, primary, 1. Last evaluated: 2017-04-27. Review status: criteria provided, single submitter. Criteria: ICSL Variant Classification Criteria 13 December 2019. Collection method: clinical testing. Allele origin: germline.
Comment: This variant was observed as part of a predisposition screen in an ostensibly healthy population. A literature search was performed for the gene, cDNA change, and amino acid change (where applicable). Publications were found based on this search. The evidence from the literature, in combination with allele frequency data from public databases where available, was sufficient to determine this variant is unlikely to cause disease. Therefore, this variant is classified as likely benign.

Illumina Laboratory Services, Illumina
Classification: Likely benign for Tangier disease. Last evaluated: 2017-04-27. Review status: criteria provided, single submitter. Criteria: ICSL Variant Classification Criteria 13 December 2019. Collection method: clinical testing. Allele origin: germline.
Comment: This variant was observed as part of a predisposition screen in an ostensibly healthy population. A literature search was performed for the gene, cDNA change, and amino acid change (where applicable). No publications were found based on this search. Allele frequency data from public databases allowed determination this variant is unlikely to cause disease. Therefore, this variant is classified as likely benign.

Literature cited by the submitters: PubMed 24497850 (cited by Women's Health and Genetics/Laboratory Corporation of America, LabCorp); PubMed 32041611 (cited by Women's Health and Genetics/Laboratory Corporation of America, LabCorp); PubMed 20800056 (cited by Women's Health and Genetics/Laboratory Corporation of America, LabCorp and Illumina Laboratory Services, Illumina).